The following is an entry in ClinVar:

NM_018718.3(CEP41):c.52C>T (p.Pro18Ser)

Gene: CEP41 (centrosomal protein 41; minus strand). Cytogenetic location: 7q32.2.
Variant type: single nucleotide variant.
Coding change: c.52C>T on transcript NM_018718.3 (MANE Select); coding-DNA position 52, C replaced by T.
Protein change: p.Pro18Ser; replaces proline 18 with serine.
Molecular consequence: missense variant. On other transcripts: non-coding transcript variant (1).
Genome position (GRCh38, 1-based): chr7:130,428,000, G>A on the plus strand (C>T on the coding strand, the complement: CEP41 is on the minus strand). VCF-style: chr7-130428000-G-A. GRCh37 (hg19) VCF-style: chr7-130067841-G-A.
Other names: c.52C>T, p.Pro18Ser (NM_001257158.2, NM_001257159.2, NM_001257160.2); short protein forms P18S.
Identifiers: ClinVar variation 2111395 (VCV002111395.4), dbSNP rs1348618417, ClinGen allele CA369287373.

ClinVar aggregate classification (germline): Uncertain significance (1 of 4 stars; one submission).

Conditions:
Joubert syndrome 15 (JBTS15). Identifiers: Orphanet 475, MedGen C3280897, MONDO:0013763, OMIM 614464.

Allele frequency attached by ClinVar (database versions not stated): gnomAD exomes below 0.00001; gnomAD 0.00001; TOPMed 0.00002.
gnomAD v4.1: 3 of 1,603,600 alleles (0.00019%); highest among the groups gnomAD compares: Non-Finnish European, 0.00026%; no homozygotes.

Submission:

Labcorp Genetics (formerly Invitae), Labcorp
Classification: Uncertain significance for Joubert syndrome 15. Last evaluated: 2022-08-03. Review status: criteria provided, single submitter. Criteria: Invitae Variant Classification Sherloc (09022015). Collection method: clinical testing. Allele origin: germline.
Comment: This sequence change replaces proline, which is neutral and non-polar, with serine, which is neutral and polar, at codon 18 of the CEP41 protein (p.Pro18Ser). In summary, the available evidence is currently insufficient to determine the role of this variant in disease. Therefore, it has been classified as a Variant of Uncertain Significance. Algorithms developed to predict the effect of missense changes on protein structure and function (SIFT, PolyPhen-2, Align-GVGD) all suggest that this variant is likely to be disruptive. This variant has not been reported in the literature in individuals affected with CEP41-related conditions. This variant is not present in population databases (gnomAD no frequency).